The following is an entry in ClinVar:

NM_173628.4(DNAH17):c.4584+13C>T

Genes: DNAH17 (dynein axonemal heavy chain 17; minus strand), LOC126862654 (MED14-independent group 3 enhancer GRCh37_chr17:76502868-76504067; plus strand). Cytogenetic location: 17q25.3.
Variant type: single nucleotide variant.
Coding change: c.4584+13C>T on transcript NM_173628.4 (MANE Select); 13 bases into the intron after coding-DNA position 4584, C replaced by T.
Molecular consequence: intron variant.
Genome position (GRCh38, 1-based): chr17:78,507,445, G>A on the plus strand (C>T on the coding strand, the complement: DNAH17 is on the minus strand). VCF-style: chr17-78507445-G-A. GRCh37 (hg19) VCF-style: chr17-76503527-G-A.
Identifiers: ClinVar variation 402688 (VCV000402688.6), dbSNP rs9894913, ClinGen allele CA8803716.
Genomic context (GRCh38, chr17:78,507,445, plus strand): 5'-GATCGCCAAGGCATTAGGGATCGCCACACACAGTCATTTCTGAAGTGCGTGGGAACCACC[G>A]GGCTGTGCTCACCTTGAATTCCTGGTTGATGTCGTCAAAGCGCTGGGAGTCCCCCGGGAG-3'

ClinVar aggregate classification (germline): Benign. Review status: criteria provided, multiple submitters, no conflicts (2 of 4 stars). 3 submissions from 3 submitters: Benign (3). Last evaluated 2021-05-11.

Allele frequency attached by ClinVar (database versions not stated): gnomAD exomes 0.27718; 1000 Genomes Project 0.27935; 1000 Genomes Project 30x 0.28529; TOPMed 0.30922; gnomAD 0.31073 and 0.31368; ESP Exome Variant Server 0.32405.
gnomAD v4.1: 481,430 of 1,612,768 alleles (30%); highest among the groups gnomAD compares: African/African-American, 39%; 74,223 homozygotes.

Submissions (3):

GeneDx
Classification: Benign. Last evaluated: 2021-05-11. Review status: criteria provided, single submitter. Criteria: GeneDx Variant Classification Process June 2021. Collection method: clinical testing. Allele origin: germline. Affected: yes.

Laboratory for Molecular Medicine, Mass General Brigham Personalized Medicine
Classification: Benign. Last evaluated: 2016-03-29. Review status: criteria provided, single submitter. Criteria: LMM Criteria. Collection method: clinical testing. Allele origin: germline.
Comment: Variant identified in a genome or exome case(s) and assessed due to predicted null impact of the variant or pathogenic assertions in the literature or databases. Disclaimer: This variant has not undergone full assessment. The following are preliminary notes: Frequency

Breakthrough Genomics
Classification: Benign. Review status: criteria provided, single submitter. Criteria: ACMG Guidelines, 2015. Collection method: not provided. Allele origin: germline. Inheritance: Autosomal recessive inheritance. Affected: yes.